The following is an entry in ClinVar:

ClinVar aggregate classification (germline): Uncertain significance. Review status: criteria provided, multiple submitters, no conflicts (2 of 4 stars). 2 submissions from 2 submitters: Uncertain significance (2). Last evaluated 2025-08-08.

Conditions:
Griscelli syndrome type 2 (GS2). Also called: PAID SYNDROME; PARTIAL ALBINISM AND IMMUNODEFICIENCY SYNDROME; GRISCELLI SYNDROME WITH HEMOPHAGOCYTIC SYNDROME. Identifiers: Orphanet 381, Orphanet 79477, MedGen C1868679, MONDO:0011872, OMIM 607624.
Inborn genetic diseases. Identifiers: MedGen C0950123, MeSH D030342.

Allele frequency attached by ClinVar (database versions not stated): gnomAD 0.00002 and 0.00003; gnomAD exomes 0.00002; TOPMed 0.00002; ExAC 0.00003; 1000 Genomes Project 30x 0.00016; 1000 Genomes Project 0.00020.
gnomAD v4.1: 16 of 1,613,994 alleles (0.00099%); highest among the groups gnomAD compares: South Asian, 0.0066%; no homozygotes.

Submissions (2):

Ambry Genetics
Classification: Uncertain significance for Inborn genetic diseases. Last evaluated: 2025-08-08. Review status: criteria provided, single submitter. Criteria: Ambry Variant Classification Scheme 2023. Collection method: clinical testing. Allele origin: germline.

Labcorp Genetics (formerly Invitae), Labcorp
Classification: Uncertain significance for Griscelli syndrome type 2. Last evaluated: 2021-08-26. Review status: criteria provided, single submitter. Criteria: Invitae Variant Classification Sherloc (09022015). Collection method: clinical testing. Allele origin: germline.
Comment: This sequence change replaces asparagine with serine at codon 166 of the RAB27A protein (p.Asn166Ser). The asparagine residue is highly conserved and there is a small physicochemical difference between asparagine and serine. This variant is present in population databases (rs576324438, ExAC 0.02%). This variant has not been reported in the literature in individuals affected with RAB27A-related conditions. Algorithms developed to predict the effect of missense changes on protein structure and function output the following: SIFT: "Tolerated"; PolyPhen-2: "Benign"; Align-GVGD: "Class C0". The serine amino acid residue is found in multiple mammalian species, which suggests that this missense change does not adversely affect protein function. In summary, the available evidence is currently insufficient to determine the role of this variant in disease. Therefore, it has been classified as a Variant of Uncertain Significance.

NM_183235.3(RAB27A):c.497A>G (p.Asn166Ser)

Gene: RAB27A (RAB27A, member RAS oncogene family; minus strand). Cytogenetic location: 15q21.3.
Variant type: single nucleotide variant.
Coding change: c.497A>G on transcript NM_183235.3 (MANE Select); coding-DNA position 497, A replaced by G.
Protein change: p.Asn166Ser; replaces asparagine 166 with serine.
Molecular consequence: missense variant.
Genome position (GRCh38, 1-based): chr15:55,205,676, T>C on the plus strand (A>G on the coding strand, the complement: RAB27A is on the minus strand). VCF-style: chr15-55205676-T-C. GRCh37 (hg19) VCF-style: chr15-55497874-T-C.
Other names: c.497A>G, p.Asn166Ser (NM_004580.5, NM_183234.3, NM_183236.3); short protein forms N166S.
Identifiers: ClinVar variation 849272 (VCV000849272.8), dbSNP rs576324438, ClinGen allele CA7573549.